The following is an entry in ClinVar:

NM_003839.4(TNFRSF11A):c.1847C>T (p.Ala616Val)

Gene: TNFRSF11A (TNF receptor superfamily member 11a; plus strand). Cytogenetic location: 18q21.33.
Variant type: single nucleotide variant.
Coding change: c.1847C>T on transcript NM_003839.4 (MANE Select); coding-DNA position 1847, C replaced by T.
Protein change: p.Ala616Val; replaces alanine 616 with valine.
Molecular consequence: missense variant. On other transcripts: 3 prime UTR variant (1).
Genome position (GRCh38, 1-based): chr18:62,385,030, C>T. VCF-style: chr18-62385030-C-T. GRCh37 (hg19) VCF-style: chr18-60052263-C-T.
Other names: c.1847C>T (NM_003839.2); c.*271C>T (NM_001270949.2); c.1010C>T, p.Ala337Val (NM_001270950.2); c.896C>T, p.Ala299Val (NM_001270951.2); c.1805C>T, p.Ala602Val (NM_001278268.2); short protein forms A337V, A602V, A616V, A299V.
Identifiers: ClinVar variation 891239 (VCV000891239.8), dbSNP rs961173072, ClinGen allele CA301714844.
Genomic context (GRCh38, chr18:62,385,030, plus strand): 5'-AGGGGCTGCGGGAGCCGGAGAAGGCCTCGAGGCCGGTGCAGGAGCAAGGCGGGGCCAAGG[C>T]TTGAGCGCCCCCCATGGCTGGGAGCCCGAAGCTCGGAGCCAGGGCTCGCGAGGGCAGCAC-3'
Protein context (NP_003830.1, residues 606-616): RPVQEQGGAK[Ala616Val]

ClinVar aggregate classification (germline): Uncertain significance. Review status: criteria provided, multiple submitters, no conflicts (2 of 4 stars). 4 submissions from 3 submitters: Uncertain significance (4). Last evaluated 2025-08-10.

Conditions:
Autosomal recessive osteopetrosis 7. Identifiers: Orphanet 178389, MedGen C2676766, MONDO:0012859, OMIM 612301.
Paget disease of bone 2, early-onset (PDB2). Also called: Paget disease of bone 2. Identifiers: MedGen C4085251, MONDO:0011183, OMIM 602080.
Inborn genetic diseases. Identifiers: MedGen C0950123, MeSH D030342.

Allele frequency attached by ClinVar (database versions not stated): gnomAD 0.00001; gnomAD exomes 0.00001 and 0.00002; TOPMed 0.00002.
gnomAD v4.1: 32 of 1,476,806 alleles (0.0022%); highest among the groups gnomAD compares: East Asian, 0.083%; no homozygotes.

Submissions (4):

Ambry Genetics
Classification: Uncertain significance for Inborn genetic diseases. Last evaluated: 2025-08-10. Review status: criteria provided, single submitter. Criteria: Ambry Variant Classification Scheme 2023. Collection method: clinical testing. Allele origin: germline.

Labcorp Genetics (formerly Invitae), Labcorp
Classification: Uncertain significance. Last evaluated: 2025-07-13. Review status: criteria provided, single submitter. Criteria: Invitae Variant Classification Sherloc (09022015). Collection method: clinical testing. Allele origin: germline.
Comment: This sequence change replaces alanine, which is neutral and non-polar, with valine, which is neutral and non-polar, at codon 616 of the TNFRSF11A protein (p.Ala616Val). The frequency data for this variant in the population databases is considered unreliable, as metrics indicate poor data quality at this position in the gnomAD database. This variant has not been reported in the literature in individuals affected with TNFRSF11A-related conditions. ClinVar contains an entry for this variant (Variation ID: 891239). An algorithm developed to predict the effect of missense changes on protein structure and function (PolyPhen-2) suggests that this variant is likely to be disruptive. Algorithms developed to predict the effect of sequence changes on RNA splicing suggest that this variant may create or strengthen a splice site. In summary, the available evidence is currently insufficient to determine the role of this variant in disease. Therefore, it has been classified as a Variant of Uncertain Significance.

Illumina Laboratory Services, Illumina
Classification: Uncertain significance for Autosomal recessive osteopetrosis 7. Last evaluated: 2018-01-13. Review status: criteria provided, single submitter. Criteria: ICSL Variant Classification Criteria 13 December 2019. Collection method: clinical testing. Allele origin: germline.

Illumina Laboratory Services, Illumina
Classification: Uncertain significance for Paget disease of bone 2, early-onset. Last evaluated: 2018-01-13. Review status: criteria provided, single submitter. Criteria: ICSL Variant Classification Criteria 13 December 2019. Collection method: clinical testing. Allele origin: germline.